The following is an entry in ClinVar:

NM_002907.4(RECQL):c.-434G>A

Gene: RECQL (RecQ like helicase; minus strand). Cytogenetic location: 12p12.1.
Variant type: single nucleotide variant.
Coding change: c.-434G>A on transcript NM_002907.4 (MANE Select); 434 bases upstream of the start codon, G replaced by A.
Molecular consequence: 5 prime UTR variant.
Genome position (GRCh38, 1-based): chr12:21,501,558, C>T on the plus strand (G>A on the coding strand, the complement: RECQL is on the minus strand). VCF-style: chr12-21501558-C-T. GRCh37 (hg19) VCF-style: chr12-21654492-C-T.
Other names: c.-237G>A (NM_032941.3).
Identifiers: ClinVar variation 679742 (VCV000679742.2), dbSNP rs71581963, ClinGen allele CA13615897.

ClinVar aggregate classification (germline): Likely benign. Review status: criteria provided, multiple submitters, no conflicts (2 of 4 stars). 2 submissions from 2 submitters: Likely benign (2). Last evaluated 2018-06-18.

Allele frequency attached by ClinVar (database versions not stated): 1000 Genomes Project 0.01917; 1000 Genomes Project 30x 0.02014; gnomAD 0.02614 and 0.02637; TOPMed 0.02623; gnomAD exomes 0.03068.
gnomAD v4.1: 7,521 of 265,574 alleles (2.8%); highest among the groups gnomAD compares: Non-Finnish European, 3.9%; 138 homozygotes.

Submissions (2):

GeneDx
Classification: Likely benign. Last evaluated: 2018-06-18. Review status: criteria provided, single submitter. Criteria: GeneDx Variant Classification (06012015). Collection method: clinical testing. Allele origin: germline. Affected: yes.
Comment: This variant is considered likely benign or benign based on one or more of the following criteria: it is a conservative change, it occurs at a poorly conserved position in the protein, it is predicted to be benign by multiple in silico algorithms, and/or has population frequency not consistent with disease.

Breakthrough Genomics
Classification: Likely benign. Review status: criteria provided, single submitter. Criteria: ACMG Guidelines, 2015. Collection method: not provided. Allele origin: germline. Inheritance: Unknown mechanism. Affected: yes.